The following is an entry in ClinVar:

ClinVar aggregate classification (germline): Pathogenic/Likely pathogenic. Review status: criteria provided, multiple submitters, no conflicts (2 of 4 stars). 8 submissions from 8 submitters: Pathogenic (6); Likely pathogenic (1). 1 of the submissions does not count toward it. Last evaluated 2025-05-05.

Conditions:
TGM1-related disorder. Also called: TGM1-related condition.
Autosomal recessive congenital ichthyosis 1 (LI1). Also called: ICHTHYOSIS CONGENITA; ICHTHYOSIS CONGENITA II; LAMELLAR EXFOLIATION OF NEWBORN; ICHTHYOSIS, CONGENITAL, AUTOSOMAL RECESSIVE 1, WITH OR WITHOUT BATHING SUIT DISTRIBUTION; ICHTHYOSIS, CONGENITAL, AUTOSOMAL RECESSIVE 1, WITH BATHING SUIT DISTRIBUTION; COLLODION FETUS. Identifiers: MedGen C4551630, MONDO:0009441, OMIM 242300.

Allele frequency attached by ClinVar (database versions not stated): gnomAD 0.00001; gnomAD exomes 0.00001 and 0.00005; ExAC 0.00002; TOPMed 0.00002.
gnomAD v4.1: 77 of 1,613,882 alleles (0.0048%); highest among the groups gnomAD compares: Non-Finnish European, 0.0058%; no homozygotes.

Submissions (8):

Natera, Inc.
Classification: Pathogenic for Autosomal recessive congenital ichthyosis type 1. Last evaluated: 2025-05-05. Review status: criteria provided, single submitter. Criteria: Natera Variant Classification Schema (03/2026). Collection method: clinical testing. Allele origin: germline.
Comment: The c.872G>A variant in TGM1 is a missense variant predicted to cause substitution of glycine to aspartic acid at amino acid 291. This variant is rare in the general population with a frequency below the threshold expected for the associated phenotype(s). This variant has been observed in one or more individuals affected with the associated recessive disease, as either homozygous or compound heterozygous with a second variant (PMID: 27025581, 31168818, 19241467). A different variant at the same position has been determined to be Pathogenic or Likely Pathogenic. Computational prediction algorithms indicate this variant is likely to affect gene or protein function. Given the available evidence, this variant is classified as Pathogenic.

Labcorp Genetics (formerly Invitae), Labcorp
Classification: Pathogenic. Last evaluated: 2024-10-02. Review status: criteria provided, single submitter. Criteria: Invitae Variant Classification Sherloc (09022015). Collection method: clinical testing. Allele origin: germline.
Comment: This sequence change replaces glycine, which is neutral and non-polar, with aspartic acid, which is acidic and polar, at codon 291 of the TGM1 protein (p.Gly291Asp). This variant is present in population databases (rs780990272, gnomAD 0.003%). This missense change has been observed in individuals with autosomal recessive congenital ichthyosis (PMID: 19241467, 19863506, 27025581, 28403434). ClinVar contains an entry for this variant (Variation ID: 265269). Invitae Evidence Modeling of protein sequence and biophysical properties (such as structural, functional, and spatial information, amino acid conservation, physicochemical variation, residue mobility, and thermodynamic stability) indicates that this missense variant is expected to disrupt TGM1 protein function with a positive predictive value of 95%. This variant disrupts the p.Gly291 amino acid residue in TGM1. Other variant(s) that disrupt this residue have been determined to be pathogenic (PMID: 19262603, 30600594). This suggests that this residue is clinically significant, and that variants that disrupt this residue are likely to be disease-causing. For these reasons, this variant has been classified as Pathogenic.

Fulgent Genetics
Classification: Pathogenic for Autosomal recessive congenital ichthyosis 1. Last evaluated: 2022-04-25. Review status: criteria provided, single submitter. Criteria: ACMG Guidelines, 2015. Collection method: clinical testing. Allele origin: unknown.

GeneDx
Classification: Pathogenic. Last evaluated: 2019-10-23. Review status: criteria provided, single submitter. Criteria: GeneDx Variant Classification Process June 2021. Collection method: clinical testing. Allele origin: germline. Affected: yes.
Comment: Not observed at a significant frequency in large population cohorts (Lek et al., 2016); In silico analysis, which includes protein predictors and evolutionary conservation, supports a deleterious effect; This variant is associated with the following publications: (PMID: 31168818, 18948357, 27025581, 19863506, 20137757, 19241467)

Blueprint Genetics
Classification: Likely pathogenic for TGM1-related disorders. Last evaluated: 2019-01-07. Review status: criteria provided, single submitter. Criteria: ACMG Guidelines, 2015. Collection method: clinical testing. Allele origin: germline. Affected: yes. Observed: 2 variant alleles.

Center for Pediatric Genomic Medicine, Children's Mercy Hospital and Clinics
Classification: Pathogenic. Last evaluated: 2017-03-06. Review status: criteria provided, single submitter. Criteria: ACMG Guidelines, 2015. Collection method: clinical testing. Allele origin: germline.

Genome-Nilou Lab
Classification: Pathogenic for Autosomal recessive congenital ichthyosis 1. Review status: criteria provided, single submitter. Criteria: ACMG Guidelines, 2015. Collection method: clinical testing. Allele origin: germline.

Counsyl
Classification: Likely pathogenic for Autosomal recessive congenital ichthyosis 1. Last evaluated: 2017-03-31. Review status: no assertion criteria provided. Collection method: clinical testing. Allele origin: unknown. Not counted in ClinVar's aggregate classification.

Literature cited by the submitters: PubMed 27025581 (cited by 3 submitters); PubMed 31168818 (cited by Natera, Inc.); PubMed 19241467 (cited by 3 submitters); PubMed 19863506 (cited by Labcorp Genetics (formerly Invitae), Labcorp and Counsyl); PubMed 28403434 (cited by Labcorp Genetics (formerly Invitae), Labcorp); PubMed 19262603 (cited by Labcorp Genetics (formerly Invitae), Labcorp); PubMed 30600594 (cited by Labcorp Genetics (formerly Invitae), Labcorp); PubMed 20137757 (cited by Counsyl); PubMed 18948357 (cited by Counsyl).

NM_000359.3(TGM1):c.872G>A (p.Gly291Asp)

Gene: TGM1 (transglutaminase 1; minus strand). Cytogenetic location: 14q12.
Variant type: single nucleotide variant.
Coding change: c.872G>A on transcript NM_000359.3 (MANE Select); coding-DNA position 872, G replaced by A.
Protein change: p.Gly291Asp; replaces glycine 291 with aspartic acid.
Molecular consequence: missense variant.
Genome position (GRCh38, 1-based): chr14:24,259,944, C>T on the plus strand (G>A on the coding strand, the complement: TGM1 is on the minus strand). VCF-style: chr14-24259944-C-T. GRCh37 (hg19) VCF-style: chr14-24729150-C-T.
Other names: short protein forms G291D.
Identifiers: ClinVar variation 265269 (VCV000265269.22), dbSNP rs780990272, ClinGen allele CA7131265.
Genomic context (GRCh38, chr14:24,259,944, plus strand): 5'-CCCACACCCACCCCAGCTCCTCTGGGTGTATGTGACCCTGGCCAGCCGCACCATACCTGG[C>T]CGTAGTTCCAGGTCCGCTCACCAATCTGTGCTTCGGTCCCGTAGTAAATTCTCCCAGACT-3'
Protein context (NP_000350.1, residues 281-301): AQIGERTWNY[Gly291Asp]QFDHGVLDAC